The following is an entry in ClinVar:

ClinVar aggregate classification (germline): Benign/Likely benign. Review status: criteria provided, multiple submitters, no conflicts (2 of 4 stars). 4 submissions from 4 submitters: Benign (1); Likely benign (2). 1 of the submissions does not count toward it. Last evaluated 2024-04-01.

Conditions:
SH2B3-related disorder. Also called: SH2B3-related condition.

Allele frequency attached by ClinVar (database versions not stated): gnomAD exomes 0.00015 and 0.00044; ExAC 0.00064; gnomAD 0.00162 and 0.00178; 1000 Genomes Project 30x 0.00172; TOPMed 0.00176; 1000 Genomes Project 0.00180; ESP Exome Variant Server 0.00269.
gnomAD v4.1: 474 of 1,613,862 alleles (0.029%); highest among the groups gnomAD compares: African/African-American, 0.55%; 3 homozygotes.

Submissions (4):

CeGaT Center for Human Genetics Tuebingen
Classification: Benign. Last evaluated: 2024-04-01. Review status: criteria provided, single submitter. Criteria: CeGaT Center For Human Genetics Tuebingen Variant Classification Criteria Version 2. Collection method: clinical testing. Allele origin: germline. Affected: yes. Observed: 1 variant allele.
Comment: SH2B3: BP4, BS1, BS2

Genetic Services Laboratory, University of Chicago
Classification: Likely benign. Last evaluated: 2021-06-23. Review status: criteria provided, single submitter. Criteria: ACMG Guidelines, 2015. Collection method: clinical testing. Allele origin: germline. Affected: no.

Labcorp Genetics (formerly Invitae), Labcorp
Classification: Likely benign. Last evaluated: 2019-12-31. Review status: criteria provided, single submitter. Criteria: Invitae Variant Classification Sherloc (09022015). Collection method: clinical testing. Allele origin: germline.

PreventionGenetics, part of Exact Sciences
Classification: Likely benign for SH2B3-related condition. Last evaluated: 2019-10-28. Review status: no assertion criteria provided. Collection method: clinical testing. Allele origin: germline. Not counted in ClinVar's aggregate classification.
Comment: This variant is classified as likely benign based on ACMG/AMP sequence variant interpretation guidelines (Richards et al. 2015 PMID: 25741868, with internal and published modifications).

NM_005475.3(SH2B3):c.1031C>T (p.Pro344Leu)

Gene: SH2B3 (SH2B adaptor protein 3; plus strand). Cytogenetic location: 12q24.12.
Variant type: single nucleotide variant.
Coding change: c.1031C>T on transcript NM_005475.3 (MANE Select); coding-DNA position 1031, C replaced by T.
Protein change: p.Pro344Leu; replaces proline 344 with leucine.
Molecular consequence: missense variant.
Genome position (GRCh38, 1-based): chr12:111,447,339, C>T. VCF-style: chr12-111447339-C-T. GRCh37 (hg19) VCF-style: chr12-111885143-C-T.
Other names: c.425C>T, p.Pro142Leu (NM_001291424.1); short protein forms P344L, P142L.
Identifiers: ClinVar variation 732661 (VCV000732661.29), dbSNP rs147318193, ClinGen allele CA6789845.